The following is an entry in ClinVar:

NM_000548.5(TSC2):c.392C>G (p.Pro131Arg)

Gene: TSC2 (TSC complex subunit 2; plus strand). Cytogenetic location: 16p13.3.
Variant type: single nucleotide variant.
Coding change: c.392C>G on transcript NM_000548.5 (MANE Select); coding-DNA position 392, C replaced by G.
Protein change: p.Pro131Arg; replaces proline 131 with arginine.
Molecular consequence: missense variant. On other transcripts: intron variant (1).
Genome position (GRCh38, 1-based): chr16:2,054,351, C>G. VCF-style: chr16-2054351-C-G. GRCh37 (hg19) VCF-style: chr16-2104352-C-G.
Other names: c.392C>G, p.Pro131Arg (NM_001077183.3, NM_001114382.3, NM_001363528.2 and 3 more transcripts); c.281C>G, p.Pro94Arg (NM_001318827.2); c.245C>G, p.Pro82Arg (NM_001318829.2); c.425C>G, p.Pro142Arg (NM_001318832.2); c.-1-1845C>G (NM_001318831.2); short protein forms P131R, P142R, P94R, P82R.
Identifiers: ClinVar variation 946772 (VCV000946772.10), dbSNP rs1487984678, ClinGen allele CA394306917.

ClinVar aggregate classification (germline): Uncertain significance. Review status: criteria provided, multiple submitters, no conflicts (2 of 4 stars). 2 submissions from 2 submitters: Uncertain significance (2). Last evaluated 2026-03-11.

Conditions:
Hereditary cancer-predisposing syndrome. Also called: Tumor predisposition; Hereditary neoplastic syndrome; Hereditary Cancer Syndrome; Neoplastic Syndromes, Hereditary. Identifiers: Orphanet 140162, MedGen C0027672, MeSH D009386, MONDO:0015356.
Tuberous sclerosis 2 (TSC2). Identifiers: Orphanet 805, MedGen C1860707, MONDO:0013199, OMIM 613254.

Submissions (2):

Ambry Genetics
Classification: Uncertain significance for Hereditary cancer-predisposing syndrome. Last evaluated: 2026-03-11. Review status: criteria provided, single submitter. Criteria: Ambry Variant Classification Scheme 2023. Collection method: clinical testing. Allele origin: germline.
Comment: The p.P131R variant (also known as c.392C>G), located in coding exon 4 of the TSC2 gene, results from a C to G substitution at nucleotide position 392. The proline at codon 131 is replaced by arginine, an amino acid with dissimilar properties. This amino acid position is conserved. In addition, this alteration is predicted to be deleterious by in silico analysis. Based on the available evidence, the clinical significance of this variant remains unclear.

Labcorp Genetics (formerly Invitae), Labcorp
Classification: Uncertain significance for Tuberous sclerosis 2. Last evaluated: 2020-08-07. Review status: criteria provided, single submitter. Criteria: Invitae Variant Classification Sherloc (09022015). Collection method: clinical testing. Allele origin: germline.
Comment: This sequence change replaces proline with arginine at codon 131 of the TSC2 protein (p.Pro131Arg). The proline residue is highly conserved and there is a moderate physicochemical difference between proline and arginine. This variant is not present in population databases (ExAC no frequency). This variant has not been reported in the literature in individuals with TSC2-related conditions. Algorithms developed to predict the effect of missense changes on protein structure and function are either unavailable or do not agree on the potential impact of this missense change (SIFT: "Deleterious"; PolyPhen-2: "Probably Damaging"; Align-GVGD: "Class C0"). In summary, the available evidence is currently insufficient to determine the role of this variant in disease. Therefore, it has been classified as a Variant of Uncertain Significance.